The following is an entry in ClinVar:

ClinVar aggregate classification (germline): Benign/Likely benign. Review status: criteria provided, multiple submitters, no conflicts (2 of 4 stars). 6 submissions from 6 submitters: Benign (2); Likely benign (4). Last evaluated 2026-01-25.

Conditions:
Hereditary cancer-predisposing syndrome. Also called: Hereditary Cancer Syndrome; Tumor predisposition; Hereditary neoplastic syndrome; Neoplastic Syndromes, Hereditary. Identifiers: Orphanet 140162, MedGen C0027672, MeSH D009386, MONDO:0015356.
Gorlin syndrome. Also called: Nevoid Basal Cell Carcinoma Syndrome; Basal cell nevus syndrome. Identifiers: Orphanet 377, MedGen C0004779, MONDO:0007187.
PTCH1-related disorder. Also called: PTCH1-related disorders; PTCH1-related condition.

Allele frequency attached by ClinVar (database versions not stated): gnomAD 0.00003 and 0.00004; ExAC 0.00012; TOPMed 0.00014.

Submissions (6):

Labcorp Genetics (formerly Invitae), Labcorp
Classification: Benign for Gorlin syndrome. Last evaluated: 2026-01-25. Review status: criteria provided, single submitter. Criteria: Invitae Variant Classification Sherloc (09022015). Collection method: clinical testing. Allele origin: germline.

Center for Genomic Medicine, Rigshospitalet, Copenhagen University Hospital
Classification: Likely benign. Last evaluated: 2025-12-29. Review status: criteria provided, single submitter. Criteria: ACMG Guidelines, 2015. Collection method: clinical testing. Allele origin: germline.

PreventionGenetics, part of Exact Sciences
Classification: Likely benign for PTCH1-related condition. Last evaluated: 2025-04-24. Review status: criteria provided, single submitter. Criteria: ACMG Guidelines, 2015. Collection method: clinical testing. Allele origin: germline.
Comment: This variant is classified as likely benign based on ACMG/AMP sequence variant interpretation guidelines (Richards et al. 2015 PMID: 25741868, with internal and published modifications).

Quest Diagnostics Nichols Institute San Juan Capistrano
Classification: Likely benign. Last evaluated: 2025-03-05. Review status: criteria provided, single submitter. Criteria: Quest Diagnostics criteria. Collection method: clinical testing. Allele origin: unknown.

KCCC/NGS Laboratory, Kuwait Cancer Control Center
Classification: Benign for Basal cell nevus syndrome 1. Last evaluated: 2023-07-07. Review status: criteria provided, single submitter. Criteria: ACMG Guidelines, 2015. Collection method: clinical testing. Allele origin: germline. Affected: yes.

Ambry Genetics
Classification: Likely benign for Hereditary cancer-predisposing syndrome. Last evaluated: 2018-08-02. Review status: criteria provided, single submitter. Criteria: Ambry Variant Classification Scheme 2023. Collection method: clinical testing. Allele origin: germline.

NM_000264.5(PTCH1):c.2049C>T (p.Ser683=)

Genes: PTCH1 (patched 1; minus strand), LOC100507346 (uncharacterized LOC100507346; plus strand). Cytogenetic location: 9q22.32.
Variant type: single nucleotide variant.
Coding change: c.2049C>T on transcript NM_000264.5 (MANE Select); coding-DNA position 2049, C replaced by T.
Protein change: p.Ser683=; no amino-acid change (serine 683 retained).
Molecular consequence: synonymous variant. On other transcripts: non-coding transcript variant (2).
Genome position (GRCh38, 1-based): chr9:95,468,952, G>A on the plus strand (C>T on the coding strand, the complement: PTCH1 is on the minus strand). VCF-style: chr9-95468952-G-A. GRCh37 (hg19) VCF-style: chr9-98231234-G-A.
Other names: c.2049C>T (NM_000264.4); c.1851C>T, p.Ser617= (NM_001083602.3); c.2046C>T, p.Ser682= (NM_001083603.3); c.1596C>T, p.Ser532= (NM_001083604.3, NM_001083605.3, NM_001083606.3 and 1 more transcripts); c.1893C>T, p.Ser631= (NM_001354918.2).
Identifiers: ClinVar variation 415480 (VCV000415480.20), dbSNP rs756242911, ClinGen allele CA5138458.